The following is an entry in ClinVar:

NM_001128840.3(CACNA1D):c.6204C>T (p.Ser2068=)

Gene: CACNA1D (calcium voltage-gated channel subunit alpha1 D; plus strand). Cytogenetic location: 3p21.1.
Variant type: single nucleotide variant.
Coding change: c.6204C>T on transcript NM_001128840.3 (MANE Select); coding-DNA position 6204, C replaced by T.
Protein change: p.Ser2068=; no amino-acid change (serine 2068 retained).
Molecular consequence: synonymous variant.
Genome position (GRCh38, 1-based): chr3:53,811,124, C>T. VCF-style: chr3-53811124-C-T. GRCh37 (hg19) VCF-style: chr3-53845151-C-T.
Other names: c.6264C>T, p.Ser2088= (NM_000720.4); c.6132C>T, p.Ser2044= (NM_001128839.3).
Identifiers: ClinVar variation 227208 (VCV000227208.35), dbSNP rs777264885, ClinGen allele CA2455403.

ClinVar aggregate classification (germline): Likely benign. Review status: criteria provided, multiple submitters, no conflicts (2 of 4 stars). 3 submissions from 3 submitters: Likely benign (3). Last evaluated 2025-11-12.

Allele frequency attached by ClinVar (database versions not stated): gnomAD 0.00001 and 0.00002; TOPMed 0.00003; ExAC 0.00005; gnomAD exomes 0.00005 and 0.00011.
gnomAD v4.1: 165 of 1,613,724 alleles (0.01%); highest among the groups gnomAD compares: East Asian, 0.27%; 1 homozygote.

Submissions (3):

Labcorp Genetics (formerly Invitae), Labcorp
Classification: Likely benign. Last evaluated: 2025-11-12. Review status: criteria provided, single submitter. Criteria: Invitae Variant Classification Sherloc (09022015). Collection method: clinical testing. Allele origin: germline.

CeGaT Center for Human Genetics Tuebingen
Classification: Likely benign. Last evaluated: 2023-03-01. Review status: criteria provided, single submitter. Criteria: CeGaT Center For Human Genetics Tuebingen Variant Classification Criteria Version 2. Collection method: clinical testing. Allele origin: germline. Affected: yes. Observed: 1 variant allele.
Comment: CACNA1D: BP4, BP7

Laboratory for Molecular Medicine, Mass General Brigham Personalized Medicine
Classification: Likely benign. Last evaluated: 2016-02-19. Review status: criteria provided, single submitter. Criteria: LMM Criteria. Collection method: clinical testing. Allele origin: germline. Observed: 1 variant allele.
Comment: p.Ser2088Ser in exon 49 of CACNA1D: This variant is not expected to have clinica l significance because it does not alter an amino acid residue and is not locate d within the splice consensus sequence. It has been identified in 0.1% (5/8652) of East Asian chromosomes by the Exome Aggregation Consortium (ExAC; dbSNP rs777264885).